The following is an entry in ClinVar:

ClinVar aggregate classification (germline): Benign. Review status: criteria provided, multiple submitters, no conflicts (2 of 4 stars). 2 submissions from 2 submitters: Benign (2). Last evaluated 2018-06-14.

Allele frequency attached by ClinVar (database versions not stated): gnomAD exomes 0.11377; gnomAD 0.16792 and 0.17210; 1000 Genomes Project 0.17352; 1000 Genomes Project 30x 0.17817; TOPMed 0.17905.
gnomAD v4.1: 125,228 of 1,029,280 alleles (12%); highest among the groups gnomAD compares: African/African-American, 28%; 9,520 homozygotes.

Submissions (2):

GeneDx
Classification: Benign. Last evaluated: 2018-06-14. Review status: criteria provided, single submitter. Criteria: GeneDx Variant Classification (06012015). Collection method: clinical testing. Allele origin: germline. Affected: yes.
Comment: This variant is considered likely benign or benign based on one or more of the following criteria: it is a conservative change, it occurs at a poorly conserved position in the protein, it is predicted to be benign by multiple in silico algorithms, and/or has population frequency not consistent with disease.

Breakthrough Genomics
Classification: Benign. Review status: criteria provided, single submitter. Criteria: ACMG Guidelines, 2015. Collection method: not provided. Allele origin: germline. Inheritance: Autosomal recessive inheritance. Affected: yes.

NM_003640.5(ELP1):c.2015-71G>A

Gene: ELP1 (elongator acetyltransferase complex subunit 1; minus strand). Cytogenetic location: 9q31.3.
Variant type: single nucleotide variant.
Coding change: c.2015-71G>A on transcript NM_003640.5 (MANE Select); 71 bases into the intron before coding-DNA position 2015, G replaced by A.
Molecular consequence: intron variant.
Genome position (GRCh38, 1-based): chr9:108,900,446, C>T on the plus strand (G>A on the coding strand, the complement: ELP1 is on the minus strand). VCF-style: chr9-108900446-C-T. GRCh37 (hg19) VCF-style: chr9-111662726-C-T.
Other names: c.1673-71G>A (NM_001318360.2); c.968-71G>A (NM_001330749.2).
Identifiers: ClinVar variation 674045 (VCV000674045.2), dbSNP rs1341216, ClinGen allele CA13119701.
Genomic context (GRCh38, chr9:108,900,446, plus strand): 5'-CATTAACTAATAAGCCTTAATTATCACAACAAGCCACTCTCCATTAACTGCAATTGAAAC[C>T]GCACACATTATGTGAAATAGAAGAGAACAAATAACAACCATGTGCCTTAGCTCTCCCACT-3'